The following is an entry in ClinVar:

ClinVar aggregate classification (germline): Uncertain significance (1 of 4 stars; one submission).

Conditions:
Spastic paraplegia. Identifiers: MedGen C0037772, HP:0001258.

gnomAD v4.1: 2 of 1,612,544 alleles (0.00012%); highest among the groups gnomAD compares: Non-Finnish European, 0.000085%; no homozygotes.

Submission:

Labcorp Genetics (formerly Invitae), Labcorp
Classification: Uncertain significance for Spastic paraplegia. Last evaluated: 2024-07-01. Review status: criteria provided, single submitter. Criteria: Invitae Variant Classification Sherloc (09022015). Collection method: clinical testing. Allele origin: germline.
Comment: This sequence change replaces arginine, which is basic and polar, with histidine, which is basic and polar, at codon 247 of the GJC2 protein (p.Arg247His). This variant is not present in population databases (gnomAD no frequency). This variant has not been reported in the literature in individuals affected with GJC2-related conditions. ClinVar contains an entry for this variant (Variation ID: 653159). Advanced modeling of protein sequence and biophysical properties (such as structural, functional, and spatial information, amino acid conservation, physicochemical variation, residue mobility, and thermodynamic stability) has been performed at Invitae for this missense variant, however the output from this modeling did not meet the statistical confidence thresholds required to predict the impact of this variant on GJC2 protein function. In summary, the available evidence is currently insufficient to determine the role of this variant in disease. Therefore, it has been classified as a Variant of Uncertain Significance.

NM_020435.4(GJC2):c.740G>A (p.Arg247His)

Gene: GJC2 (gap junction protein gamma 2; plus strand). Cytogenetic location: 1q42.13.
Variant type: single nucleotide variant.
Coding change: c.740G>A on transcript NM_020435.4 (MANE Select); coding-DNA position 740, G replaced by A.
Protein change: p.Arg247His; replaces arginine 247 with histidine.
Molecular consequence: missense variant.
Genome position (GRCh38, 1-based): chr1:228,158,498, G>A. VCF-style: chr1-228158498-G-A. GRCh37 (hg19) VCF-style: chr1-228346199-G-A.
Other names: short protein forms R247H.
Identifiers: ClinVar variation 653159 (VCV000653159.8), dbSNP rs1057523988, ClinGen allele CA345099248.
Genomic context (GRCh38, chr1:228,158,498, plus strand): 5'-TCCTGGTGGGCCAGTACCTGCTGTACGGCTTCGAGGTGCGACCGTTCTTTCCCTGCAGCC[G>A]CCAGCCCTGCCCGCACGTGGTGGACTGCTTCGTGTCGCGCCCTACTGAAAAGACGGTCTT-3'
Protein context (NP_065168.2, residues 237-257): FEVRPFFPCS[Arg247His]QPCPHVVDCF